The following is an entry in ClinVar:

ClinVar aggregate classification (germline): Pathogenic (1 of 4 stars; one submission).

Conditions:
Deficiency of steroid 17-alpha-monooxygenase. Also called: 17-ALPHA-HYDROXYLASE DEFICIENCY; Congenital adrenal hyperplasia due to 17-alpha-hydroxylase deficiency; Congenital adrenal hyperplasia type 5; 17-alpha-hydroxylase/17,20-lyase deficiency; ADRENAL HYPERPLASIA V. Identifiers: Orphanet 90793, MedGen C0268285, MONDO:0008730, OMIM 202110.

Submission:

3billion
Classification: Pathogenic for Deficiency of steroid 17-alpha-monooxygenase. Last evaluated: 2023-06-21. Review status: criteria provided, single submitter. Criteria: ACMG Guidelines, 2015. Collection method: clinical testing. Allele origin: germline. Affected: yes.
Comment: The variant is observed at an extremely low frequency in the gnomAD v2.1.1 dataset (total allele frequency: 0.003%). Predicted Consequence/Location: Stop-gained (nonsense): predicted to result in a loss or disruption of normal protein function through nonsense-mediated decay (NMD) or protein truncation. Multiple pathogenic variants are reported downstream of the variant. The variant has been reported to be associated with CYP17A1 related disorder (PMID: 25927356). Therefore, this variant is classified as Pathogenic according to the recommendation of ACMG/AMP guideline.

Literature cited by the submitters: PubMed 25927356.

NM_000102.4(CYP17A1):c.987del (p.Leu328_Tyr329insTer)

Gene: CYP17A1 (cytochrome P450 family 17 subfamily A member 1; minus strand). Cytogenetic location: 10q24.32.
Variant type: Deletion.
Coding change: c.987del on transcript NM_000102.4 (MANE Select); coding-DNA position 987, one base deleted (C; older notation c.987delC).
Protein change: p.Leu328_Tyr329insTer.
Molecular consequence: nonsense.
Genome position (GRCh38, 1-based): chr10:102,832,663, G deleted on the plus strand (C on the coding strand, the reverse complement: CYP17A1 is on the minus strand). VCF-style (leftmost placement, unchanged base first): chr10-102832662-CG-C. GRCh37 (hg19) VCF-style: chr10-104592419-CG-C.
Identifiers: ClinVar variation 3775942 (VCV003775942.1).